The following is an entry in ClinVar:

ClinVar aggregate classification (germline): Uncertain significance. Review status: criteria provided, multiple submitters, no conflicts (2 of 4 stars). 2 submissions from 2 submitters: Uncertain significance (2). Last evaluated 2024-06-24.

Conditions:
Intellectual developmental disorder with neuropsychiatric features. Identifiers: MedGen C4479636, MONDO:0044322, OMIM 617532.

Allele frequency attached by ClinVar (database versions not stated): ExAC 0.00025; gnomAD exomes 0.00033 and 0.00083; ESP Exome Variant Server 0.00038; TOPMed 0.00045; gnomAD 0.00046.
gnomAD v4.1: 1,258 of 1,613,132 alleles (0.078%); highest among the groups gnomAD compares: Non-Finnish European, 0.1%; no homozygotes.

Submissions (2):

GeneDx
Classification: Uncertain significance. Last evaluated: 2024-06-24. Review status: criteria provided, single submitter. Criteria: GeneDx Variant Classification Process June 2021. Collection method: clinical testing. Allele origin: germline. Affected: yes.
Comment: In silico analysis indicates that this missense variant does not alter protein structure/function; Has not been previously published as pathogenic or benign to our knowledge

New York Genome Center
Classification: Uncertain significance for Intellectual developmental disorder with neuropsychiatric features. Last evaluated: 2019-12-27. Review status: criteria provided, single submitter. Criteria: NYGC Assertion Criteria 2020. Collection method: clinical testing. Allele origin: germline. Observed: 1 heterozygote. Study: CSER-NYCKidSeq.

NM_001080397.3(SLC45A1):c.1178G>A (p.Gly393Asp)

Gene: SLC45A1 (solute carrier family 45 member 1; plus strand). Cytogenetic location: 1p36.23.
Variant type: single nucleotide variant.
Coding change: c.1178G>A on transcript NM_001080397.3 (MANE Select); coding-DNA position 1178, G replaced by A.
Protein change: p.Gly393Asp; replaces glycine 393 with aspartic acid.
Molecular consequence: missense variant.
Genome position (GRCh38, 1-based): chr1:8,330,671, G>A. VCF-style: chr1-8330671-G-A. GRCh37 (hg19) VCF-style: chr1-8390731-G-A.
Other names: c.1178G>A, p.Gly393Asp (NM_001379614.1); c.1085G>A, p.Gly362Asp (NM_001379615.1, NM_001379616.1); c.572G>A, p.Gly191Asp (NM_001379617.1, NM_001379618.1); short protein forms G191D, G362D, G393D.
Identifiers: ClinVar variation 983315 (VCV000983315.3), dbSNP rs199862899, ClinGen allele CA570322.